The following is an entry in ClinVar:

ClinVar aggregate classification (germline): Uncertain significance (1 of 4 stars; one submission).

Conditions:
Nephrolithiasis/nephrocalcinosis. Identifiers: MedGen CN580796.

Allele frequency attached by ClinVar (database versions not stated): gnomAD exomes below 0.00001.
gnomAD v4.1: 1 of 1,614,172 alleles (0.000062%); highest among the groups gnomAD compares: East Asian, 0.0022%; no homozygotes.

Submission:

Ambry Genetics
Classification: Uncertain significance for Nephrolithiasis/nephrocalcinosis. Last evaluated: 2023-04-13. Review status: criteria provided, single submitter. Criteria: Ambry Variant Classification Scheme 2023. Collection method: clinical testing. Allele origin: germline.
Comment: The p.H994Q variant (also known as c.2982C>G), located in coding exon 6 of the CASR gene, results from a C to G substitution at nucleotide position 2982. The histidine at codon 994 is replaced by glutamine, an amino acid with highly similar properties. This amino acid position is conserved. In addition, this alteration is predicted to be tolerated by in silico analysis. Since supporting evidence is limited at this time, the clinical significance of this alteration remains unclear.

NM_000388.4(CASR):c.2982C>G (p.His994Gln)

Gene: CASR (calcium sensing receptor; plus strand). Cytogenetic location: 3q21.1.
Variant type: single nucleotide variant.
Coding change: c.2982C>G on transcript NM_000388.4 (MANE Select); coding-DNA position 2982, C replaced by G.
Protein change: p.His994Gln; replaces histidine 994 with glutamine.
Molecular consequence: missense variant.
Genome position (GRCh38, 1-based): chr3:122,284,936, C>G. VCF-style: chr3-122284936-C-G. GRCh37 (hg19) VCF-style: chr3-122003783-C-G.
Other names: c.3012C>G, p.His1004Gln (NM_001178065.2); short protein forms H1004Q, H994Q.
Identifiers: ClinVar variation 3231565 (VCV003231565.1), dbSNP rs2107651645, ClinGen allele CA354161198.